The following is an entry in ClinVar:

NM_025179.4(PLXNA2):c.1477C>G (p.Arg493Gly)

Gene: PLXNA2 (plexin A2; minus strand). Cytogenetic location: 1q32.2.
Variant type: single nucleotide variant.
Coding change: c.1477C>G on transcript NM_025179.4 (MANE Select); coding-DNA position 1477, C replaced by G.
Protein change: p.Arg493Gly; replaces arginine 493 with glycine.
Molecular consequence: missense variant.
Genome position (GRCh38, 1-based): chr1:208,142,358, G>C on the plus strand (C>G on the coding strand, the complement: PLXNA2 is on the minus strand). VCF-style: chr1-208142358-G-C. GRCh37 (hg19) VCF-style: chr1-208315703-G-C.
Other names: short protein forms R493G.
Identifiers: ClinVar variation 4986755 (VCV004986755.1).
Genomic context (GRCh38, chr1:208,142,358, plus strand): 5'-TTGGAAAGCAGAGATGGATGTTAGCACTTACCTGTCTCTCAGACATGACGTACAGGTAGC[G>C]CTGATCAATGGAGAAGGCCATGTCCCGGAGGATGGGGCTTCCGTCCTTGAGCACAGAGAC-3'
Protein context (NP_079455.3, residues 483-503): LRDMAFSIDQ[Arg493Gly]YLYVMSERQV

ClinVar aggregate classification (germline): Uncertain significance (1 of 4 stars; one submission).

Conditions:
PLXNA2-related disorder. Also called: PLXNA2-related condition.

gnomAD v4.1: 2 of 1,613,320 alleles (0.00012%); no homozygotes.

Submission:

PreventionGenetics, part of Exact Sciences
Classification: Uncertain significance for PLXNA2-related condition. Last evaluated: 2025-11-26. Review status: criteria provided, single submitter. Criteria: ACMG Guidelines, 2015. Collection method: clinical testing. Allele origin: germline.
Comment: The PLXNA2 c.1477C>G variant is predicted to result in the amino acid substitution p.Arg493Gly. To our knowledge, this variant has not been reported in the literature or in a large population database (gnomAD), indicating this variant is rare. At this time, the clinical significance of this variant is uncertain due to the absence of conclusive functional and genetic evidence.